The following is an entry in ClinVar:

NM_004453.4(ETFDH):c.528G>C (p.Leu176Phe)

Gene: ETFDH (electron transfer flavoprotein dehydrogenase; plus strand). Cytogenetic location: 4q32.1.
Variant type: single nucleotide variant.
Coding change: c.528G>C on transcript NM_004453.4 (MANE Select); coding-DNA position 528, G replaced by C.
Protein change: p.Leu176Phe; replaces leucine 176 with phenylalanine.
Molecular consequence: missense variant.
Genome position (GRCh38, 1-based): chr4:158,685,141, G>C. VCF-style: chr4-158685141-G-C. GRCh37 (hg19) VCF-style: chr4-159606293-G-C.
Other names: c.387G>C, p.Leu129Phe (NM_001281737.2); c.345G>C, p.Leu115Phe (NM_001281738.1); c.528G>C (NM_004453.3); short protein forms L115F, L129F, L176F.
Identifiers: ClinVar variation 3241430 (VCV003241430.3), dbSNP rs2479087993.
Genomic context (GRCh38, chr4:158,685,141, plus strand): 5'-AATTAAGCATATATTTATAGGGCTTCCAATGAATAATCATGGCAATTACATTGTACGCTT[G>C]GGACATTTAGTGAGCTGGATGGGCGAACAAGCAGAAGCCCTTGGTGTTGAAGTATACCCT-3'
Protein context (NP_004444.2, residues 166-186): MNNHGNYIVR[Leu176Phe]GHLVSWMGEQ

ClinVar aggregate classification (germline): Likely pathogenic. Review status: criteria provided, multiple submitters, no conflicts (2 of 4 stars). 2 submissions from 2 submitters: Likely pathogenic (2). Last evaluated 2025-05-15.

Conditions:
Glutaric acidemia type 2C.
Multiple acyl-CoA dehydrogenase deficiency (MADD). Also called: Glutaric acidemia type II; GA 2; Glutaric aciduria, type 2; ETHYLMALONIC-ADIPICACIDURIA; GA II; Glutaric Acidemia type 2. Identifiers: Orphanet 26791, MedGen C0268596, MONDO:0009282, OMIM 231680.

Submissions (2):

Natera, Inc.
Classification: Likely pathogenic for Glutaric acidemia type 2C. Last evaluated: 2025-05-15. Review status: criteria provided, single submitter. Criteria: Natera Variant Classification Schema (03/2026). Collection method: clinical testing. Allele origin: germline.
Comment: The c.528G>C variant in ETFDH is a missense variant predicted to cause substitution of leucine to phenylalanine at amino acid 176. This variant is rare in the general population with a frequency below the threshold expected for the associated phenotype(s). This variant has been observed in one or more individuals affected with the associated recessive disease, as either homozygous or compound heterozygous with a second variant (PMID: 24357026, 30681493). This variant has been identified in one or more affected individuals with a phenotype highly consistent with the associated gene (PMID: 24357026, 30681493). Computational prediction algorithms indicate this variant is likely to affect gene or protein function. Given the available evidence, this variant is classified as Likely Pathogenic.

Baylor Genetics
Classification: Likely pathogenic for Multiple acyl-CoA dehydrogenase deficiency. Last evaluated: 2024-01-23. Review status: criteria provided, single submitter. Criteria: ACMG Guidelines, 2015. Collection method: clinical testing. Allele origin: unknown.

Literature cited by the submitters: PubMed 24357026 (cited by Natera, Inc.); PubMed 30681493 (cited by Natera, Inc.).